The following is an entry in ClinVar:

NM_007255.3(B4GALT7):c.275C>T (p.Pro92Leu)

Gene: B4GALT7 (beta-1,4-galactosyltransferase 7; plus strand). Cytogenetic location: 5q35.3.
Variant type: single nucleotide variant.
Coding change: c.275C>T on transcript NM_007255.3 (MANE Select); coding-DNA position 275, C replaced by T.
Protein change: p.Pro92Leu; replaces proline 92 with leucine.
Molecular consequence: missense variant.
Genome position (GRCh38, 1-based): chr5:177,604,403, C>T. VCF-style: chr5-177604403-C-T. GRCh37 (hg19) VCF-style: chr5-177031404-C-T.
Other names: short protein forms P92L.
Identifiers: ClinVar variation 1421902 (VCV001421902.6), dbSNP rs778409854, ClinGen allele CA362373597.

ClinVar aggregate classification (germline): Uncertain significance (1 of 4 stars; one submission).

Conditions:
Spondylodysplastic Ehlers-Danlos syndrome. Identifiers: Orphanet 536471, Orphanet 75496, MedGen C5680154, MONDO:0007526.

gnomAD v4.1: 3 of 1,613,802 alleles (0.00019%); highest among the groups gnomAD compares: East Asian, 0.0022%; no homozygotes.

Submission:

Labcorp Genetics (formerly Invitae), Labcorp
Classification: Uncertain significance for Spondylodysplastic Ehlers-Danlos syndrome. Last evaluated: 2024-01-08. Review status: criteria provided, single submitter. Criteria: Invitae Variant Classification Sherloc (09022015). Collection method: clinical testing. Allele origin: germline.
Comment: This sequence change replaces proline, which is neutral and non-polar, with leucine, which is neutral and non-polar, at codon 92 of the B4GALT7 protein (p.Pro92Leu). This variant is not present in population databases (gnomAD no frequency). This variant has not been reported in the literature in individuals affected with B4GALT7-related conditions. ClinVar contains an entry for this variant (Variation ID: 1421902). Advanced modeling of protein sequence and biophysical properties (such as structural, functional, and spatial information, amino acid conservation, physicochemical variation, residue mobility, and thermodynamic stability) performed at Invitae indicates that this missense variant is not expected to disrupt B4GALT7 protein function with a negative predictive value of 80%. In summary, the available evidence is currently insufficient to determine the role of this variant in disease. Therefore, it has been classified as a Variant of Uncertain Significance.